The following is an entry in ClinVar:

ClinVar aggregate classification (germline): Benign/Likely benign. Review status: criteria provided, multiple submitters, no conflicts (2 of 4 stars). 8 submissions from 8 submitters: Benign (1); Likely benign (6). 1 of the submissions does not count toward it. Last evaluated 2026-01-18.

Conditions:
DSG2-related disorder. Also called: DSG2-related condition.
Cardiovascular phenotype. Identifiers: MedGen CN230736.
Cardiomyopathy (CMYO). Also called: Cardiomyopathies. Identifiers: Orphanet 167848, MedGen C0878544, MONDO:0004994, HP:0001638. Inheritance: Various modes of inheritance.
Arrhythmogenic right ventricular dysplasia 10. Also called: Arrhythmogenic Right Ventricular Dysplasia/Cardiomyopathy10; ARRHYTHMOGENIC RIGHT VENTRICULAR DYSPLASIA, FAMILIAL, 10; Arrhythmogenic right ventricular dysplasia/cardiomyopathy, type 10. Identifiers: MedGen C1857777, MONDO:0012434, OMIM 610193.

Allele frequency attached by ClinVar (database versions not stated): TOPMed 0.00037; gnomAD 0.00038; ESP Exome Variant Server 0.00074.
gnomAD v4.1: 115 of 1,614,020 alleles (0.0071%); highest among the groups gnomAD compares: African/African-American, 0.14%; no homozygotes.

Submissions (8):

Labcorp Genetics (formerly Invitae), Labcorp
Classification: Likely benign for Arrhythmogenic right ventricular dysplasia 10. Last evaluated: 2026-01-18. Review status: criteria provided, single submitter. Criteria: Invitae Variant Classification Sherloc (09022015). Collection method: clinical testing. Allele origin: germline.

Women's Health and Genetics/Laboratory Corporation of America, LabCorp
Classification: Likely benign. Last evaluated: 2025-04-25. Review status: criteria provided, single submitter. Criteria: LabCorp Variant Classification Summary - May 2015. Collection method: clinical testing. Allele origin: germline.
Comment: Variant summary: DSG2 c.3266G>A (p.Gly1089Asp) results in a non-conservative amino acid change in the encoded protein sequence. Four of five in-silico tools predict a benign effect of the variant on protein function. The variant allele was found at a frequency of 0.00011 in 249268 control chromosomes, predominantly at a frequency of 0.0016 within the African or African-American subpopulation in the gnomAD database. The observed variant frequency within African or African-American control individuals in the gnomAD database is approximately 6 fold of the estimated maximal expected allele frequency for a pathogenic variant in DSG2 causing Arrhythmogenic Right Ventricular Dysplasia/Cardiomyopathy phenotype (0.00025), strongly suggesting that the variant is a benign polymorphism found primarily in populations of African or African-American origin. c.3266G>A has been observed in individual(s) affected with Arrhythmogenic Right Ventricular Dysplasia/Cardiomyopathy. These report(s) do not provide unequivocal conclusions about association of the variant with Arrhythmogenic Right Ventricular Dysplasia/Cardiomyopathy. To our knowledge, no experimental evidence demonstrating an impact on protein function has been reported. ClinVar contains an entry for this variant (Variation ID: 264574). Based on the evidence outlined above, the variant was classified as likely benign.

Blueprint Genetics
Classification: Likely benign. Last evaluated: 2022-11-14. Review status: criteria provided, single submitter. Criteria: ACMG Guidelines, 2015. Collection method: clinical testing. Allele origin: germline.

GeneDx
Classification: Likely benign. Last evaluated: 2021-04-10. Review status: criteria provided, single submitter. Criteria: GeneDx Variant Classification Process June 2021. Collection method: clinical testing. Allele origin: germline. Affected: yes.

CHEO Genetics Diagnostic Laboratory, Children's Hospital of Eastern Ontario
Classification: Benign for Cardiomyopathy. Last evaluated: 2019-09-04. Review status: criteria provided, single submitter. Criteria: ACMG Guidelines, 2015. Collection method: clinical testing. Allele origin: germline.

Ambry Genetics
Classification: Likely benign for Cardiovascular phenotype. Last evaluated: 2019-07-23. Review status: criteria provided, single submitter. Criteria: Ambry Variant Classification Scheme 2023. Collection method: clinical testing. Allele origin: germline.

Color Diagnostics, LLC DBA Color Health
Classification: Likely benign for Cardiomyopathy. Last evaluated: 2018-11-26. Review status: criteria provided, single submitter. Criteria: ACMG Guidelines, 2015. Collection method: clinical testing. Allele origin: germline.

PreventionGenetics, part of Exact Sciences
Classification: Likely benign for DSG2-related condition. Last evaluated: 2023-08-17. Review status: no assertion criteria provided. Collection method: clinical testing. Allele origin: germline. Not counted in ClinVar's aggregate classification.
Comment: This variant is classified as likely benign based on ACMG/AMP sequence variant interpretation guidelines (Richards et al. 2015 PMID: 25741868, with internal and published modifications).

Literature cited by the submitters: PubMed 33652588 (cited by Women's Health and Genetics/Laboratory Corporation of America, LabCorp).

NM_001943.5(DSG2):c.3266G>A (p.Gly1089Asp)

Genes: DSG2 (desmoglein 2; plus strand), DSG2-AS1 (DSG2 antisense RNA 1; minus strand). Cytogenetic location: 18q12.1.
Variant type: single nucleotide variant.
Coding change: c.3266G>A on transcript NM_001943.5 (MANE Select); coding-DNA position 3266, G replaced by A.
Protein change: p.Gly1089Asp; replaces glycine 1089 with aspartic acid.
Molecular consequence: missense variant.
Genome position (GRCh38, 1-based): chr18:31,546,652, G>A. VCF-style: chr18-31546652-G-A. GRCh37 (hg19) VCF-style: chr18-29126615-G-A.
Other names: c.3266G>A (LRG_397t1); short protein forms G1089D.
Identifiers: ClinVar variation 264574 (VCV000264574.28), dbSNP rs200264407, ClinGen allele CA048201.